The following is an entry in ClinVar:

NM_001130004.2(ACTN1):c.272C>A (p.Ser91Tyr)

Gene: ACTN1 (actinin alpha 1; minus strand). Cytogenetic location: 14q24.1.
Variant type: single nucleotide variant.
Coding change: c.272C>A on transcript NM_001130004.2 (MANE Select); coding-DNA position 272, C replaced by A.
Protein change: p.Ser91Tyr; replaces serine 91 with tyrosine.
Molecular consequence: missense variant. On other transcripts: 5 prime UTR variant (1).
Genome position (GRCh38, 1-based): chr14:68,921,074, G>T on the plus strand (C>A on the coding strand, the complement: ACTN1 is on the minus strand). VCF-style: chr14-68921074-G-T. GRCh37 (hg19) VCF-style: chr14-69387791-G-T.
Other names: c.272C>A, p.Ser91Tyr (NM_001102.4, NM_001130005.2, NM_001411035.1 and 9 more transcripts); c.77C>A, p.Ser26Tyr (NM_001411036.1, NM_001424026.1, NM_001424028.1); c.398C>A, p.Ser133Tyr (NM_001424013.1); c.359C>A, p.Ser120Tyr (NM_001424015.1); c.269C>A, p.Ser90Tyr (NM_001424017.1); c.209C>A, p.Ser70Tyr (NM_001424018.1, NM_001424020.1, NM_001424022.1); c.203C>A, p.Ser68Tyr (NM_001424021.1); c.-639C>A (NM_001424030.1); short protein forms S133Y, S68Y, S70Y, S120Y, S26Y, S90Y, S91Y.
Identifiers: ClinVar variation 4764121 (VCV004764121.1).

ClinVar aggregate classification (germline): Uncertain significance (1 of 4 stars; one submission).

Submission:

Labcorp Genetics (formerly Invitae), Labcorp
Classification: Uncertain significance. Last evaluated: 2025-02-23. Review status: criteria provided, single submitter. Criteria: Invitae Variant Classification Sherloc (09022015). Collection method: clinical testing. Allele origin: germline.
Comment: This sequence change replaces serine, which is neutral and polar, with tyrosine, which is neutral and polar, at codon 91 of the ACTN1 protein (p.Ser91Tyr). This variant is not present in population databases (gnomAD no frequency). This variant has not been reported in the literature in individuals affected with ACTN1-related conditions. Invitae Evidence Modeling of protein sequence and biophysical properties (such as structural, functional, and spatial information, amino acid conservation, physicochemical variation, residue mobility, and thermodynamic stability) has been performed for this missense variant. However, the output from this modeling did not meet the statistical confidence thresholds required to predict the impact of this variant on ACTN1 protein function. In summary, the available evidence is currently insufficient to determine the role of this variant in disease. Therefore, it has been classified as a Variant of Uncertain Significance.